The following is an entry in ClinVar:

NM_012092.4(ICOS):c.*1249G>A

Gene: ICOS (inducible T cell costimulator; plus strand). Cytogenetic location: 2q33.2.
Variant type: single nucleotide variant.
Coding change: c.*1249G>A on transcript NM_012092.4 (MANE Select); 1249 bases downstream of the stop codon, G replaced by A.
Molecular consequence: 3 prime UTR variant.
Genome position (GRCh38, 1-based): chr2:203,960,848, G>A. VCF-style: chr2-203960848-G-A. GRCh37 (hg19) VCF-style: chr2-204825571-G-A.
Identifiers: ClinVar variation 333756 (VCV000333756.5), dbSNP rs73991308, ClinGen allele CA10612132.

ClinVar aggregate classification (germline): Benign (1 of 4 stars; one submission).

Conditions:
Immunodeficiency, common variable, 1. Also called: ANTIBODY DEFICIENCY DUE TO ICOS DEFECT. Identifiers: Orphanet 1572, Orphanet 695183, MedGen C3149378, MONDO:0011864, OMIM 607594.

Allele frequency attached by ClinVar (database versions not stated): gnomAD 0.02036 and 0.02203; 1000 Genomes Project 0.01997; 1000 Genomes Project 30x 0.02061; TOPMed 0.02282.

Submission:

Illumina Laboratory Services, Illumina
Classification: Benign for Immunodeficiency, common variable, 1. Last evaluated: 2018-01-12. Review status: criteria provided, single submitter. Criteria: ICSL Variant Classification Criteria 13 December 2019. Collection method: clinical testing. Allele origin: germline.
Comment: This variant was observed in the ICSL laboratory as part of a predisposition screen in an ostensibly healthy population. It had not been previously curated by ICSL or reported in the Human Gene Mutation Database (HGMD: prior to June 1st, 2018), and was therefore a candidate for classification through an automated scoring system. Utilizing variant allele frequency, disease prevalence and penetrance estimates, and inheritance mode, an automated score was calculated to assess if this variant is too frequent to cause the disease. Based on the score and internal cut-off values, a variant classified as benign is not then subjected to further curation. The score for this variant resulted in a classification of benign for this disease.